The following is an entry in ClinVar:

NM_021222.3(PRUNE1):c.197G>A (p.Arg66Gln)

Gene: PRUNE1 (prune exopolyphosphatase 1; plus strand). Cytogenetic location: 1q21.3.
Variant type: single nucleotide variant.
Coding change: c.197G>A on transcript NM_021222.3 (MANE Select); coding-DNA position 197, G replaced by A.
Protein change: p.Arg66Gln; replaces arginine 66 with glutamine.
Molecular consequence: missense variant. On other transcripts: 5 prime UTR variant (1), intron variant (1).
Genome position (GRCh38, 1-based): chr1:151,018,531, G>A. VCF-style: chr1-151018531-G-A. GRCh37 (hg19) VCF-style: chr1-150991007-G-A.
Other names: c.197G>A, p.Arg66Gln (NM_001303242.2); c.-63G>A (NM_001303243.2); c.-212+627G>A (NM_001303229.2); short protein forms R66Q.
Identifiers: ClinVar variation 3023933 (VCV003023933.3), dbSNP rs373101423, ClinGen allele CA1083725.

ClinVar aggregate classification (germline): Uncertain significance (1 of 4 stars; one submission).

Allele frequency attached by ClinVar (database versions not stated): ExAC 0.00002; gnomAD 0.00002; TOPMed 0.00003; gnomAD exomes 0.00004; ESP Exome Variant Server 0.00008.

Submission:

Labcorp Genetics (formerly Invitae), Labcorp
Classification: Uncertain significance. Last evaluated: 2023-09-19. Review status: criteria provided, single submitter. Criteria: Invitae Variant Classification Sherloc (09022015). Collection method: clinical testing. Allele origin: germline.
Comment: In summary, the available evidence is currently insufficient to determine the role of this variant in disease. Therefore, it has been classified as a Variant of Uncertain Significance. Advanced modeling of protein sequence and biophysical properties (such as structural, functional, and spatial information, amino acid conservation, physicochemical variation, residue mobility, and thermodynamic stability) performed at Invitae indicates that this missense variant is expected to disrupt PRUNE1 protein function. This variant has not been reported in the literature in individuals affected with PRUNE1-related conditions. This variant is present in population databases (rs373101423, gnomAD 0.04%). This sequence change replaces arginine, which is basic and polar, with glutamine, which is neutral and polar, at codon 66 of the PRUNE1 protein (p.Arg66Gln).